The following is an entry in ClinVar:

NM_000836.4(GRIN2D):c.3371del (p.Ala1124fs)

Gene: GRIN2D (glutamate ionotropic receptor NMDA type subunit 2D; plus strand). Cytogenetic location: 19q13.33.
Variant type: Deletion.
Coding change: c.3371del on transcript NM_000836.4 (MANE Select); coding-DNA position 3371, one base deleted (C; older notation c.3371delC).
Protein change: p.Ala1124fs; shifts the reading frame from alanine 1124.
Molecular consequence: frameshift variant.
Genome position (GRCh38, 1-based): chr19:48,443,297, C deleted. VCF-style (leftmost placement, unchanged base first): chr19-48443296-GC-G. GRCh37 (hg19) VCF-style: chr19-48946553-GC-G.
Other names: short protein forms A1124fs.
Identifiers: ClinVar variation 1500082 (VCV001500082.6), dbSNP rs2147477314, ClinGen allele CA2573156521.

ClinVar aggregate classification (germline): Uncertain significance (1 of 4 stars; one submission).

Submission:

Labcorp Genetics (formerly Invitae), Labcorp
Classification: Uncertain significance. Last evaluated: 2022-07-10. Review status: criteria provided, single submitter. Criteria: Invitae Variant Classification Sherloc (09022015). Collection method: clinical testing. Allele origin: germline.
Comment: ClinVar contains an entry for this variant (Variation ID: 1500082). This variant has not been reported in the literature in individuals affected with GRIN2D-related conditions. This variant is not present in population databases (gnomAD no frequency). This sequence change results in a frameshift in the GRIN2D gene (p.Ala1124Glyfs*394). While this is not anticipated to result in nonsense mediated decay, it is expected to disrupt the last 213 amino acid(s) of the GRIN2D protein and extend the protein by 180 additional amino acid residues. Experimental studies and prediction algorithms are not available or were not evaluated, and the functional significance of this variant is currently unknown. In summary, the available evidence is currently insufficient to determine the role of this variant in disease. Therefore, it has been classified as a Variant of Uncertain Significance.